The following is an entry in ClinVar:

ClinVar aggregate classification (germline): Pathogenic/Likely pathogenic. Review status: criteria provided, multiple submitters, no conflicts (2 of 4 stars). 3 submissions from 3 submitters: Pathogenic (1); Likely pathogenic (2). Last evaluated 2025-11-17.

Conditions:
Autosomal recessive nonsyndromic hearing loss 77. Identifiers: Orphanet 90636, MedGen C2746083, MONDO:0013119, OMIM 613079.

Submissions (3):

Natera, Inc.
Classification: Likely pathogenic for Autosomal recessive deafness type 77. Last evaluated: 2025-11-17. Review status: criteria provided, single submitter. Criteria: Natera Variant Classification Schema (03/2026). Collection method: clinical testing. Allele origin: germline.
Comment: The c.1906delG variant in LOXHD1 is a frameshift variant predicted to shift the reading frame beginning at codon 636 and leads to a stop codon 5 codons downstream. This variant is expected to result in nonsense mediated decay, truncation, or a dysfunctional protein product. This variant is rare in the general population with a frequency below the threshold expected for the associated phenotype(s). Given the available evidence, this variant is classified as Likely Pathogenic.

Fulgent Genetics
Classification: Likely pathogenic for Autosomal recessive nonsyndromic hearing loss 77. Last evaluated: 2024-01-06. Review status: criteria provided, single submitter. Criteria: ACMG Guidelines, 2015. Collection method: clinical testing. Allele origin: germline.

Labcorp Genetics (formerly Invitae), Labcorp
Classification: Pathogenic. Last evaluated: 2023-04-25. Review status: criteria provided, single submitter. Criteria: Invitae Variant Classification Sherloc (09022015). Collection method: clinical testing. Allele origin: germline.
Comment: ClinVar contains an entry for this variant (Variation ID: 1446354). For these reasons, this variant has been classified as Pathogenic. This sequence change creates a premature translational stop signal (p.Asp636Thrfs*5) in the LOXHD1 gene. It is expected to result in an absent or disrupted protein product. Loss-of-function variants in LOXHD1 are known to be pathogenic (PMID: 19732867, 21465660, 25792669). This variant is present in population databases (no rsID available, gnomAD 0.004%). This variant has not been reported in the literature in individuals affected with LOXHD1-related conditions.

Literature cited by the submitters: PubMed 19732867 (cited by Labcorp Genetics (formerly Invitae), Labcorp); PubMed 21465660 (cited by Labcorp Genetics (formerly Invitae), Labcorp); PubMed 25792669 (cited by Labcorp Genetics (formerly Invitae), Labcorp).

NM_001384474.1(LOXHD1):c.1906del (p.Asp636fs)

Gene: LOXHD1 (lipoxygenase homology PLAT domains 1; minus strand). Cytogenetic location: 18q21.1.
Variant type: Deletion.
Coding change: c.1906del on transcript NM_001384474.1 (MANE Select); coding-DNA position 1906, one base deleted (G; older notation c.1906delG).
Protein change: p.Asp636fs; shifts the reading frame from aspartic acid 636.
Molecular consequence: frameshift variant.
Genome position (GRCh38, 1-based): chr18:46,577,771, C deleted on the plus strand (G on the coding strand, the reverse complement: LOXHD1 is on the minus strand); the first of 2 consecutive C bases (chr18:46,577,771-46,577,772); deleting either gives the same sequence. VCF-style (leftmost placement, unchanged base first): chr18-46577770-TC-T. GRCh37 (hg19) VCF-style: chr18-44157733-TC-T.
Other names: c.1906del (NM_144612.6); c.1906del, p.Asp636fs (NM_144612.7); c.1906delG (NM_144612.6); short protein forms D636fs.
Identifiers: ClinVar variation 1446354 (VCV001446354.8), dbSNP rs1190328421, ClinGen allele CA629924592.